The following is an entry in ClinVar:

ClinVar aggregate classification (germline): Uncertain significance (1 of 4 stars; one submission).

gnomAD v4.1: 5 of 1,613,962 alleles (0.00031%); highest among the groups gnomAD compares: East Asian, 0.011%; no homozygotes.

Submission:

GeneDx
Classification: Uncertain significance. Last evaluated: 2024-04-10. Review status: criteria provided, single submitter. Criteria: GeneDx Variant Classification Process June 2021. Collection method: clinical testing. Allele origin: germline. Affected: yes.
Comment: In silico analysis supports that this missense variant has a deleterious effect on protein structure/function; Has not been previously published as pathogenic or benign to our knowledge

NM_032608.7(MYO18B):c.6248C>T (p.Ala2083Val)

Gene: MYO18B (myosin XVIIIB; plus strand). Cytogenetic location: 22q12.1.
Variant type: single nucleotide variant.
Coding change: c.6248C>T on transcript NM_032608.7 (MANE Select); coding-DNA position 6248, C replaced by T.
Protein change: p.Ala2083Val; replaces alanine 2083 with valine.
Molecular consequence: missense variant.
Genome position (GRCh38, 1-based): chr22:25,992,454, C>T. VCF-style: chr22-25992454-C-T. GRCh37 (hg19) VCF-style: chr22-26388420-C-T.
Other names: c.6251C>T, p.Ala2084Val (NM_001318245.2); short protein forms A2083V, A2084V.
Identifiers: ClinVar variation 3372389 (VCV003372389.1).